The following is an entry in ClinVar:

NM_025207.5(FLAD1):c.416T>C (p.Leu139Pro)

Gene: FLAD1 (flavin adenine dinucleotide synthetase 1; plus strand). Cytogenetic location: 1q21.3.
Variant type: single nucleotide variant.
Coding change: c.416T>C on transcript NM_025207.5 (MANE Select); coding-DNA position 416, T replaced by C.
Protein change: p.Leu139Pro; replaces leucine 139 with proline.
Molecular consequence: missense variant.
Genome position (GRCh38, 1-based): chr1:154,988,148, T>C. VCF-style: chr1-154988148-T-C. GRCh37 (hg19) VCF-style: chr1-154960624-T-C.
Other names: c.125T>C, p.Leu42Pro (NM_001184891.2, NM_201398.3); c.119T>C, p.Leu40Pro (NM_001184892.2); c.416T>C (NM_025207.4); short protein forms L139P, L42P, L40P.
Identifiers: ClinVar variation 2142960 (VCV002142960.2), dbSNP rs775833539, ClinGen allele CA1134323.
Genomic context (GRCh38, chr1:154,988,148, plus strand): 5'-TCCCCTTCAACCCCCAGGGACACACTCAGGACACCAACACCTTCTTTCTGTGCCGGACAC[T>C]GCGCTCCCTAGGGGTCCAGGTTTGCCGAGTCTCAGTTGTACCTGATGAGGTAGCCACCAT-3'
Protein context (NP_079483.3, residues 129-149): DTNTFFLCRT[Leu139Pro]RSLGVQVCRV

ClinVar aggregate classification (germline): Uncertain significance. Review status: criteria provided, multiple submitters, no conflicts (2 of 4 stars). 2 submissions from 2 submitters: Uncertain significance (2). Last evaluated 2025-06-03.

Conditions:
Inborn genetic diseases. Identifiers: MedGen C0950123, MeSH D030342.

Allele frequency attached by ClinVar (database versions not stated): TOPMed 0.00001; gnomAD 0.00001; gnomAD exomes 0.00002; ExAC 0.00002.

Submissions (2):

Ambry Genetics
Classification: Uncertain significance for Inborn genetic diseases. Last evaluated: 2025-06-03. Review status: criteria provided, single submitter. Criteria: Ambry Variant Classification Scheme 2023. Collection method: clinical testing. Allele origin: germline.

Labcorp Genetics (formerly Invitae), Labcorp
Classification: Uncertain significance. Last evaluated: 2022-08-11. Review status: criteria provided, single submitter. Criteria: Invitae Variant Classification Sherloc (09022015). Collection method: clinical testing. Allele origin: germline.
Comment: This sequence change replaces leucine, which is neutral and non-polar, with proline, which is neutral and non-polar, at codon 139 of the FLAD1 protein (p.Leu139Pro). This variant is present in population databases (rs775833539, gnomAD 0.02%). This variant has not been reported in the literature in individuals affected with FLAD1-related conditions. Algorithms developed to predict the effect of missense changes on protein structure and function are either unavailable or do not agree on the potential impact of this missense change (SIFT: "Deleterious"; PolyPhen-2: "Probably Damaging"; Align-GVGD: "Class C15"). In summary, the available evidence is currently insufficient to determine the role of this variant in disease. Therefore, it has been classified as a Variant of Uncertain Significance.